The following is an entry in ClinVar:

NM_000138.5(FBN1):c.5657_5665delinsGC (p.Gln1886fs)

Gene: FBN1 (fibrillin 1; minus strand). Cytogenetic location: 15q21.1.
Variant type: Indel.
Coding change: c.5657_5665delinsGC on transcript NM_000138.5 (MANE Select); coding-DNA positions 5657 to 5665, AAACCATGT replaced by GC.
Protein change: p.Gln1886fs; shifts the reading frame from glutamine 1886.
Molecular consequence: frameshift variant.
Genome position (GRCh38, 1-based): chr15:48,448,774-48,448,782, ACATGGTTT replaced by GC on the plus strand (AAACCATGT replaced by GC on the coding strand, the reverse complement: FBN1 is on the minus strand). VCF-style: chr15-48448774-ACATGGTTT-GC. GRCh37 (hg19) VCF-style: chr15-48740971-ACATGGTTT-GC.
Other names: c.5657_5665delAAACCATGTinsGC, p.Gln1886Argfs (NM_001406716.1); short protein forms Q1886fs.
Identifiers: ClinVar variation 1748892 (VCV001748892.2), dbSNP rs2505463100, ClinGen allele CA2580089535.

ClinVar aggregate classification (germline): Pathogenic (1 of 4 stars; one submission).

Conditions:
Familial thoracic aortic aneurysm and aortic dissection (TAAD). Also called: Thoracic aortic aneurysms and dissections. Identifiers: Orphanet 91387, MedGen C4707243, MONDO:0019625.

Submission:

Ambry Genetics
Classification: Pathogenic for Familial thoracic aortic aneurysm and aortic dissection. Last evaluated: 2019-11-19. Review status: criteria provided, single submitter. Criteria: Ambry Variant Classification Scheme 2023. Collection method: clinical testing. Allele origin: germline.
Comment: The c.5657_5665delAAACCATGTinsGC pathogenic mutation, located in coding exon 45 of the FBN1 gene, results from the deletion of 9 nucleotides and insertion of two nucleotides causing a translational frameshift with a predicted alternate stop codon (p.Q1886Rfs*5). This alteration is expected to result in loss of function by premature protein truncation or nonsense-mediated mRNA decay. As such, this alteration is interpreted as a disease-causing mutation.